The following is an entry in ClinVar:

ClinVar aggregate classification (germline): Pathogenic. Review status: criteria provided, single submitter (1 of 4 stars). 2 submissions from 2 submitters: Pathogenic (1). 1 of the submissions does not count toward it. Last evaluated 2022-04-21.

Conditions:
Immunodeficiency, developmental delay, and hypohomocysteinemia. Identifiers: MedGen C4540293, MONDO:0060591, OMIM 617744.

Submissions (2):

Labcorp Genetics (formerly Invitae), Labcorp
Classification: Pathogenic. Last evaluated: 2022-04-21. Review status: criteria provided, single submitter. Criteria: Invitae Variant Classification Sherloc (09022015). Collection method: clinical testing. Allele origin: germline.
Comment: This sequence change replaces threonine, which is neutral and polar, with lysine, which is basic and polar, at codon 80 of the NFE2L2 protein (p.Thr80Lys). For these reasons, this variant has been classified as Pathogenic. Experimental studies have shown that this missense change affects NFE2L2 function (PMID: 24130096, 29018201, 31107239). Algorithms developed to predict the effect of missense changes on protein structure and function (SIFT, PolyPhen-2, Align-GVGD) all suggest that this variant is likely to be disruptive. ClinVar contains an entry for this variant (Variation ID: 445148). This missense change has been observed in individual(s) with NFE2L2-related conditions (PMID: 29018201). In at least one individual the variant was observed to be de novo. This variant is not present in population databases (gnomAD no frequency).

OMIM
Classification: Pathogenic for IMMUNODEFICIENCY, DEVELOPMENTAL DELAY, AND HYPOHOMOCYSTEINEMIA. Last evaluated: 2017-10-30. Review status: no assertion criteria provided. Collection method: literature only. Allele origin: germline. Not counted in ClinVar's aggregate classification.

Literature cited by the submitters: PubMed 24130096 (cited by Labcorp Genetics (formerly Invitae), Labcorp); PubMed 29018201 (cited by Labcorp Genetics (formerly Invitae), Labcorp and OMIM); PubMed 31107239 (cited by Labcorp Genetics (formerly Invitae), Labcorp).

NM_006164.5(NFE2L2):c.239C>A (p.Thr80Lys)

Gene: NFE2L2 (NFE2 like bZIP transcription factor 2; minus strand). Cytogenetic location: 2q31.2.
Variant type: single nucleotide variant.
Coding change: c.239C>A on transcript NM_006164.5 (MANE Select); coding-DNA position 239, C replaced by A.
Protein change: p.Thr80Lys; replaces threonine 80 with lysine.
Molecular consequence: missense variant. On other transcripts: intron variant (1).
Genome position (GRCh38, 1-based): chr2:177,234,078, G>T on the plus strand (C>A on the coding strand, the complement: NFE2L2 is on the minus strand). VCF-style: chr2-177234078-G-T. GRCh37 (hg19) VCF-style: chr2-178098806-G-T.
Other names: c.191C>A, p.Thr64Lys (NM_001145412.3, NM_001145413.3, NM_001313900.1 and 1 more transcripts); c.239C>A, p.Thr80Lys (NM_001313902.2); c.10C>A, p.Gln4Lys (NM_001313904.1); c.93+146C>A (NM_001313903.2); short protein forms T80K, Q4K, T64K.
Identifiers: ClinVar variation 445148 (VCV000445148.6), dbSNP rs1553487947, ClinGen allele CA349380460.